The following is an entry in ClinVar:

ClinVar aggregate classification (germline): Uncertain significance (1 of 4 stars; one submission).

Submission:

GeneDx
Classification: Uncertain significance. Last evaluated: 2025-02-02. Review status: criteria provided, single submitter. Criteria: GeneDx Variant Classification Process June 2021. Collection method: clinical testing. Allele origin: germline. Affected: yes.
Comment: Not observed at significant frequency in large population cohorts (gnomAD); In silico analysis supports that this missense variant has a deleterious effect on protein structure/function; This substitution is predicted to be within the extracellular loop between the S3 and S4 transmembrane segments of the fourth homologous domain; Has not been previously published as pathogenic or benign to our knowledge

NM_001040142.2(SCN2A):c.4844T>G (p.Ile1615Arg)

Gene: SCN2A (sodium voltage-gated channel alpha subunit 2; plus strand). Cytogenetic location: 2q24.3.
Variant type: single nucleotide variant.
Coding change: c.4844T>G on transcript NM_001040142.2 (MANE Select); coding-DNA position 4844, T replaced by G.
Protein change: p.Ile1615Arg; replaces isoleucine 1615 with arginine.
Molecular consequence: missense variant.
Genome position (GRCh38, 1-based): chr2:165,388,650, T>G. VCF-style: chr2-165388650-T-G. GRCh37 (hg19) VCF-style: chr2-166245160-T-G.
Other names: c.4844T>G, p.Ile1615Arg (NM_001040143.2, NM_001371246.1, NM_001371247.1 and 1 more transcripts); short protein forms I1615R.
Identifiers: ClinVar variation 3378177 (VCV003378177.2).